The following is an entry in ClinVar:

ClinVar aggregate classification (germline): Uncertain significance. Review status: criteria provided, multiple submitters, no conflicts (2 of 4 stars). 2 submissions from 2 submitters: Uncertain significance (2). Last evaluated 2026-06-28.

Conditions:
Cardiovascular phenotype. Identifiers: MedGen CN230736.
Hereditary cancer-predisposing syndrome. Also called: Tumor predisposition; Hereditary Cancer Syndrome; Hereditary neoplastic syndrome; Neoplastic Syndromes, Hereditary. Identifiers: Orphanet 140162, MedGen C0027672, MeSH D009386, MONDO:0015356.
Neurofibromatosis, type 1 (NF1). Also called: VON RECKLINGHAUSEN DISEASE; Peripheral type neurofibromatosis; Neurofibromatosis, type I; NEUROFIBROMATOSIS, TYPE I, SOMATIC. Identifiers: Orphanet 636, MedGen C0027831, MONDO:0018975, OMIM 162200. Disease mechanism: loss of function.

Submissions (2):

Ambry Genetics
Classification: Uncertain significance for Cardiovascular phenotype; Hereditary cancer-predisposing syndrome. Last evaluated: 2026-06-28. Review status: criteria provided, single submitter. Criteria: Ambry Variant Classification Scheme 2023. Collection method: clinical testing. Allele origin: germline.
Comment: The p.P2345R variant (also known as c.7034C>G), located in coding exon 47 of the NF1 gene, results from a C to G substitution at nucleotide position 7034. The proline at codon 2345 is replaced by arginine, an amino acid with dissimilar properties. This amino acid position is conserved. In addition, the in silico prediction for this alteration is inconclusive. Based on the available evidence, the clinical significance of this variant remains unclear.

Labcorp Genetics (formerly Invitae), Labcorp
Classification: Uncertain significance for Neurofibromatosis, type 1. Last evaluated: 2022-06-27. Review status: criteria provided, single submitter. Criteria: Invitae Variant Classification Sherloc (09022015). Collection method: clinical testing. Allele origin: germline.
Comment: In summary, the available evidence is currently insufficient to determine the role of this variant in disease. Therefore, it has been classified as a Variant of Uncertain Significance. Advanced modeling of protein sequence and biophysical properties (such as structural, functional, and spatial information, amino acid conservation, physicochemical variation, residue mobility, and thermodynamic stability) performed at Invitae indicates that this missense variant is expected to disrupt NF1 protein function. ClinVar contains an entry for this variant (Variation ID: 1044996). This variant has not been reported in the literature in individuals affected with NF1-related conditions. This variant is not present in population databases (gnomAD no frequency). This sequence change replaces proline, which is neutral and non-polar, with arginine, which is basic and polar, at codon 2345 of the NF1 protein (p.Pro2345Arg).

NM_001042492.3(NF1):c.7097C>G (p.Pro2366Arg)

Gene: NF1 (neurofibromin 1; plus strand). Cytogenetic location: 17q11.2.
Variant type: single nucleotide variant.
Coding change: c.7097C>G on transcript NM_001042492.3 (MANE Select); coding-DNA position 7097, C replaced by G.
Protein change: p.Pro2366Arg; replaces proline 2366 with arginine.
Molecular consequence: missense variant.
Genome position (GRCh38, 1-based): chr17:31,343,043, C>G. VCF-style: chr17-31343043-C-G. GRCh37 (hg19) VCF-style: chr17-29670061-C-G.
Other names: c.7034C>G, p.Pro2345Arg (NM_000267.4); short protein forms P2366R, P2345R.
Identifiers: ClinVar variation 1044996 (VCV001044996.6), dbSNP rs1597851311, ClinGen allele CA399015577.